The following is an entry in ClinVar:

ClinVar aggregate classification (germline): Benign/Likely benign. Review status: criteria provided, multiple submitters, no conflicts (2 of 4 stars). 3 submissions from 3 submitters: Benign (1); Likely benign (2). Last evaluated 2026-06-09.

Conditions:
PCLO-related disorder. Also called: PCLO-related condition.

Allele frequency attached by ClinVar (database versions not stated): gnomAD exomes 0.00009 and 0.00060; gnomAD 0.00015 and 0.00020; TOPMed 0.00029; 1000 Genomes Project 0.00060; ExAC 0.00064; 1000 Genomes Project 30x 0.00109.
gnomAD v4.1: 161 of 1,494,634 alleles (0.011%); highest among the groups gnomAD compares: East Asian, 0.34%; no homozygotes.

Submissions (3):

PreventionGenetics, part of Exact Sciences
Classification: Likely benign for PCLO-related condition. Last evaluated: 2026-06-09. Review status: criteria provided, single submitter. Criteria: ACMG Guidelines, 2015. Collection method: clinical testing. Allele origin: germline.
Comment: This variant is classified as likely benign based on ACMG/AMP sequence variant interpretation guidelines (Richards et al. 2015 PMID: 25741868, with internal and published modifications).

Labcorp Genetics (formerly Invitae), Labcorp
Classification: Benign. Last evaluated: 2026-02-02. Review status: criteria provided, single submitter. Criteria: Invitae Variant Classification Sherloc (09022015). Collection method: clinical testing. Allele origin: germline.

Blueprint Genetics
Classification: Likely benign. Last evaluated: 2024-11-27. Review status: criteria provided, single submitter. Criteria: ACMG Guidelines, 2015. Collection method: clinical testing. Allele origin: germline.

NM_033026.6(PCLO):c.15171T>C (p.Asn5057=)

Gene: PCLO (piccolo presynaptic cytomatrix protein; minus strand). Cytogenetic location: 7q21.11.
Variant type: single nucleotide variant.
Coding change: c.15171T>C on transcript NM_033026.6 (MANE Select); coding-DNA position 15171, T replaced by C.
Protein change: p.Asn5057=; no amino-acid change (asparagine 5057 retained).
Molecular consequence: synonymous variant.
Genome position (GRCh38, 1-based): chr7:82,760,756, A>G on the plus strand (T>C on the coding strand, the complement: PCLO is on the minus strand). VCF-style: chr7-82760756-A-G. GRCh37 (hg19) VCF-style: chr7-82390072-A-G.
Identifiers: ClinVar variation 722122 (VCV000722122.12), dbSNP rs184652313, ClinGen allele CA4318598.
Genomic context (GRCh38, chr7:82,760,756, plus strand): 5'-CTCTCGATCATGTCTGCATACTCTTGTTTTTTTCTTGATCACCTTTTTTTGGGTAGAAAT[A>G]TTCATCACATATATTTTCACATATAAATCTGAAAATAAGAATTCAGCCCATTAAATTCCA-3'
Protein context (NP_149015.2, residues 5047-5067): PDLYVKIYVM[Asn5057=]ISTQKKVIKK